The following is an entry in ClinVar:

NM_001377.3(DYNC2H1):c.3059T>G (p.Leu1020Ter)

Gene: DYNC2H1 (dynein cytoplasmic 2 heavy chain 1; plus strand). Cytogenetic location: 11q22.3.
Variant type: single nucleotide variant.
Coding change: c.3059T>G on transcript NM_001377.3 (MANE Select); coding-DNA position 3059, T replaced by G.
Protein change: p.Leu1020Ter; replaces leucine 1020 with a stop codon.
Molecular consequence: nonsense.
Genome position (GRCh38, 1-based): chr11:103,152,248, T>G. VCF-style: chr11-103152248-T-G. GRCh37 (hg19) VCF-style: chr11-103022977-T-G.
Other names: c.3059T>G, p.Leu1020Ter (NM_001080463.2); short protein forms L1020*.
Identifiers: ClinVar variation 446537 (VCV000446537.13), dbSNP rs373335226, ClinGen allele CA6253248.
Genomic context (GRCh38, chr11:103,152,248, plus strand): 5'-TGGCTGGTGGAGGTTTAGAAACAATTAGTAATTTGAAAGCCAAGTGGGATAAATTTGAGT[T>G]AATGATGGAAAGTCACCAACTTATGATTAAAGACCAGGTTAGAATCTTTTAATTATTTAT-3'

ClinVar aggregate classification (germline): Pathogenic/Likely pathogenic. Review status: criteria provided, multiple submitters, no conflicts (2 of 4 stars). 7 submissions from 7 submitters: Pathogenic (3); Likely pathogenic (2). 2 of the submissions do not count toward it. Last evaluated 2026-08-13.

Conditions:
Jeune thoracic dystrophy. Also called: Short-rib thoracic dysplasia; Jeune syndrome; Infantile thoracic dystrophy; Thoracic pelvic phalangeal dystrophy; Jeune's syndrome; Chondroectodermal dysplasia-like syndrome. Identifiers: Orphanet 474, MedGen C0265275, MONDO:0018770.
DYNC2H1-related disorder. Also called: DYNC2H1-related disorders; DYNC2H1-related condition. Identifiers: MedGen CN378770.
Asphyxiating thoracic dystrophy 3. Also called: SHORT-RIB THORACIC DYSPLASIA 3 WITH OR WITHOUT POLYDACTYLY; POLYDACTYLY WITH NEONATAL CHONDRODYSTROPHY, TYPE I; SHORT-RIB THORACIC DYSPLASIA 3/6 WITH POLYDACTYLY, DIGENIC; Saldino-Noonan Syndrome; Short rib polydactyly syndrome 2B. Identifiers: Orphanet 474, Orphanet 93269, Orphanet 93270, Orphanet 93271, MedGen C0036069, MONDO:0013127, OMIM 613091.

Allele frequency attached by ClinVar (database versions not stated): gnomAD exomes 0.00002 and 0.00005; ESP Exome Variant Server 0.00009; TOPMed 0.00002; ExAC 0.00005; gnomAD 0.00001.
gnomAD v4.1: 34 of 1,607,742 alleles (0.0021%); highest among the groups gnomAD compares: Non-Finnish European, 0.00025%; no homozygotes.

Submissions (7):

GeneDx
Classification: Likely pathogenic. Last evaluated: 2026-08-13. Review status: criteria provided, single submitter. Criteria: GeneDx Variant Classification Process June 2021. Collection method: clinical testing. Allele origin: germline.
Comment: Identified with a second DYNC2H1 variant in patients with skeletal dysplasia referred for genetic testing at GeneDx and in published literature (PMID: 29068549); Nonsense variant predicted to result in protein truncation or nonsense mediated decay in a gene for which loss of function is a known mechanism of disease; Identified in patients with clinical features consistent with a DYNC2H1-related disorder referred for genetic testing at GeneDx; This variant is associated with the following publications: (PMID: 29068549, 37091781)

Labcorp Genetics (formerly Invitae), Labcorp
Classification: Pathogenic for Jeune thoracic dystrophy. Last evaluated: 2025-11-25. Review status: criteria provided, single submitter. Criteria: Invitae Variant Classification Sherloc (09022015). Collection method: clinical testing. Allele origin: germline.
Comment: This sequence change creates a premature translational stop signal (p.Leu1020*) in the DYNC2H1 gene. It is expected to result in an absent or disrupted protein product. Loss-of-function variants in DYNC2H1 are known to be pathogenic (PMID: 23339108, 32753734, 33755199). This variant is present in population databases (rs373335226, gnomAD 0.09%). This premature translational stop signal has been observed in individual(s) with short-rib polydactyly syndrome (PMID: 29068549). ClinVar contains an entry for this variant (Variation ID: 446537). For these reasons, this variant has been classified as Pathogenic.

PreventionGenetics, part of Exact Sciences
Classification: Pathogenic for DYNC2H1-related condition. Last evaluated: 2025-03-09. Review status: criteria provided, single submitter. Criteria: ACMG Guidelines, 2015. Collection method: clinical testing. Allele origin: germline.
Comment: The DYNC2H1 c.3059T>G variant is predicted to result in premature protein termination (p.Leu1020*). This variant in the compound heterozygous condition with a second variant in this gene has been reported in an individual with short rib-polydactyly syndrome (Table S1, Zhang et al. 2018. PubMed ID: 29068549). This variant is reported in 0.10% of alleles in individuals of Ashkenazi Jewish descent in gnomAD. Nonsense variants in DYNC2H1 are expected to be pathogenic. This variant is interpreted as pathogenic.

Fulgent Genetics
Classification: Likely pathogenic for Asphyxiating thoracic dystrophy 3. Last evaluated: 2024-05-20. Review status: criteria provided, single submitter. Criteria: ACMG Guidelines, 2015. Collection method: clinical testing. Allele origin: germline.

Myriad Genetics, Inc.
Classification: Pathogenic for Asphyxiating thoracic dystrophy 3. Last evaluated: 2024-04-20. Review status: criteria provided, single submitter. Criteria: Myriad Autosomal Dominant, Autosomal Recessive and X-Linked Classification Criteria (2023). Collection method: clinical testing. Allele origin: unknown.
Comment: NM_001377.2(DYNC2H1):c.3059T>G(L1020*) is expected to be pathogenic in the context of DYNC2H1-related disorders. This variant is predicted to lead to an abnormal or absent protein product due to the creation of a premature termination codon in DYNC2H1, a gene where loss-of-function variants are known to be pathogenic. Please note: this variant was assessed in the context of healthy population screening.

Dan Cohn Lab, University Of California Los Angeles
Classification: Pathogenic for Asphyxiating thoracic dystrophy 3. Last evaluated: 2017-06-01. Review status: no assertion criteria provided. Collection method: research. Allele origin: paternal. Affected: yes. Not counted in ClinVar's aggregate classification.

University of Washington Center for Mendelian Genomics, University of Washington
Classification: Likely pathogenic for Asphyxiating thoracic dystrophy 3. Review status: no assertion criteria provided. Collection method: research. Allele origin: inherited. Affected: yes. Not counted in ClinVar's aggregate classification.

Literature cited by the submitters: PubMed 23339108 (cited by Labcorp Genetics (formerly Invitae), Labcorp); PubMed 32753734 (cited by Labcorp Genetics (formerly Invitae), Labcorp); PubMed 33755199 (cited by Labcorp Genetics (formerly Invitae), Labcorp); PubMed 29068549 (cited by 3 submitters).